The following is an entry in ClinVar:

NM_000380.4(XPA):c.234A>G (p.Glu78=)

Gene: XPA (XPA, DNA damage recognition and repair factor; minus strand). Cytogenetic location: 9q22.33.
Variant type: single nucleotide variant.
Coding change: c.234A>G on transcript NM_000380.4 (MANE Select); coding-DNA position 234, A replaced by G.
Protein change: p.Glu78=; no amino-acid change (glutamic acid 78 retained).
Molecular consequence: synonymous variant. On other transcripts: non-coding transcript variant (5).
Genome position (GRCh38, 1-based): chr9:97,693,698, T>C on the plus strand (A>G on the coding strand, the complement: XPA is on the minus strand). VCF-style: chr9-97693698-T-C. GRCh37 (hg19) VCF-style: chr9-100455980-T-C.
Other names: c.108A>G, p.Glu36= (NM_001354975.2).
Identifiers: ClinVar variation 752899 (VCV000752899.15), dbSNP rs144543144, ClinGen allele CA5148878.

ClinVar aggregate classification (germline): Conflicting classifications of pathogenicity. Review status: criteria provided, conflicting classifications (1 of 4 stars). 4 submissions from 4 submitters: Uncertain significance (1); Likely benign (2). 1 of the submissions does not count toward it. Last evaluated 2026-01-09.

Conditions:
Xeroderma pigmentosum (XP). Identifiers: Orphanet 910, MedGen C0043346, MONDO:0019600.
XPA-related disorder. Also called: XPA-related condition.

Allele frequency attached by ClinVar (database versions not stated): gnomAD exomes 0.00004 and 0.00008; ExAC 0.00008; 1000 Genomes Project 30x 0.00031; ESP Exome Variant Server 0.00038; 1000 Genomes Project 0.00040; gnomAD 0.00044 and 0.00051; TOPMed 0.00045.
gnomAD v4.1: 130 of 1,613,596 alleles (0.0081%); highest among the groups gnomAD compares: African/African-American, 0.14%; 1 homozygote.

Submissions (4):

Labcorp Genetics (formerly Invitae), Labcorp
Classification: Likely benign. Last evaluated: 2026-01-09. Review status: criteria provided, single submitter. Criteria: Invitae Variant Classification Sherloc (09022015). Collection method: clinical testing. Allele origin: germline.

Blueprint Genetics
Classification: Likely benign. Last evaluated: 2022-08-21. Review status: criteria provided, single submitter. Criteria: ACMG Guidelines, 2015. Collection method: clinical testing. Allele origin: germline.

Sema4
Classification: Uncertain significance for Xeroderma pigmentosum. Last evaluated: 2021-08-26. Review status: criteria provided, single submitter. Criteria: Sema4 Curation Guidelines. Collection method: curation. Allele origin: germline.
Comment: The XPA c.234A>G (p.E78=) variant has not been reported in the literature to our knowledge. It was observed in 27/24948 chromosomes of the African/African American subpopulation, with no homozygotes, in the large and broad cohorts of the Genome Aggregation Database (PMID: 32461654). The variant has been reported in ClinVar (Variation ID 752899). In silico tools suggest that the variant may create a cryptic splicing site, though these predictions have not been confirmed by functional studies. The evidence is insufficient to meet ACMG/AMP criteria for classifying the variant as benign or pathogenic. Thus, the clinical significance of this variant is currently uncertain.

PreventionGenetics, part of Exact Sciences
Classification: Likely benign for XPA-related condition. Last evaluated: 2019-07-01. Review status: no assertion criteria provided. Collection method: clinical testing. Allele origin: germline. Not counted in ClinVar's aggregate classification.
Comment: This variant is classified as likely benign based on ACMG/AMP sequence variant interpretation guidelines (Richards et al. 2015 PMID: 25741868, with internal and published modifications).